The following is an entry in ClinVar:

ClinVar aggregate classification (germline): Uncertain significance (1 of 4 stars; one submission).

gnomAD v4.1: 2 of 1,207,997 alleles (0.00017%); highest among the groups gnomAD compares: Non-Finnish European, 0.00022%; no homozygotes.

Submission:

Labcorp Genetics (formerly Invitae), Labcorp
Classification: Uncertain significance. Last evaluated: 2025-07-08. Review status: criteria provided, single submitter. Criteria: Invitae Variant Classification Sherloc (09022015). Collection method: clinical testing. Allele origin: germline.
Comment: This sequence change replaces proline, which is neutral and non-polar, with leucine, which is neutral and non-polar, at codon 478 of the CHM protein (p.Pro478Leu). This variant is not present in population databases (gnomAD no frequency). This variant has not been reported in the literature in individuals affected with CHM-related conditions. Invitae Evidence Modeling of protein sequence and biophysical properties (such as structural, functional, and spatial information, amino acid conservation, physicochemical variation, residue mobility, and thermodynamic stability) indicates that this missense variant is not expected to disrupt CHM protein function with a negative predictive value of 80%. In summary, the available evidence is currently insufficient to determine the role of this variant in disease. Therefore, it has been classified as a Variant of Uncertain Significance.

NM_000390.4(CHM):c.1433C>T (p.Pro478Leu)

Gene: CHM (CHM Rab escort protein; minus strand). Cytogenetic location: Xq21.2.
Variant type: single nucleotide variant.
Coding change: c.1433C>T on transcript NM_000390.4 (MANE Select); coding-DNA position 1433, C replaced by T.
Protein change: p.Pro478Leu; replaces proline 478 with leucine.
Molecular consequence: missense variant.
Genome position (GRCh38, 1-based): chrX:85,894,265, G>A on the plus strand (C>T on the coding strand, the complement: CHM is on the minus strand). VCF-style: chrX-85894265-G-A. GRCh37 (hg19) VCF-style: chrX-85149270-G-A.
Other names: c.989C>T, p.Pro330Leu (NM_001320959.1, NM_001362517.1, NM_001362518.2 and 1 more transcripts); short protein forms P478L, P330L.
Identifiers: ClinVar variation 4706747 (VCV004706747.1).